The following is an entry in ClinVar:

NM_015103.3(PLXND1):c.3439G>A (p.Ala1147Thr)

Gene: PLXND1 (plexin D1; minus strand). Cytogenetic location: 3q22.1.
Variant type: single nucleotide variant.
Coding change: c.3439G>A on transcript NM_015103.3 (MANE Select); coding-DNA position 3439, G replaced by A.
Protein change: p.Ala1147Thr; replaces alanine 1147 with threonine.
Molecular consequence: missense variant.
Genome position (GRCh38, 1-based): chr3:129,571,201, C>T on the plus strand (G>A on the coding strand, the complement: PLXND1 is on the minus strand). VCF-style: chr3-129571201-C-T. GRCh37 (hg19) VCF-style: chr3-129290044-C-T.
Other names: short protein forms A1147T.
Identifiers: ClinVar variation 4873892 (VCV004873892.2).

ClinVar aggregate classification (germline): Uncertain significance (1 of 4 stars; one submission).

Submission:

CeGaT Center for Human Genetics Tuebingen
Classification: Uncertain significance. Last evaluated: 2026-06-01. Review status: criteria provided, single submitter. Criteria: CeGaT Center For Human Genetics Tuebingen Variant Classification Criteria Version 2. Collection method: clinical testing. Allele origin: germline. Affected: yes. Observed: 1 variant allele.
Comment: PLXND1: PM2, BP4